The following is an entry in ClinVar:

ClinVar aggregate classification (germline): Uncertain significance (1 of 4 stars; one submission).

Conditions:
Pseudo-Hurler polydystrophy. Also called: MUCOLIPIDOSIS IIIA; ML III; ML III ALPHA/BETA; Type III Mucolipidosis; ML IIIA; Mucolipidosis III Alpha/Beta. Identifiers: Orphanet 423461, Orphanet 577, MedGen C0033788, MONDO:0018931, OMIM 252600.
Mucolipidosis type II. Also called: Mucolipidosis II Alpha/Beta; ML II ALPHA/BETA; Mucolipidosis 2; ML 2; Inclusion cell disease; Leroy Disease. Identifiers: Orphanet 576, MedGen C2673377, MONDO:0009650, OMIM 252500.

Allele frequency attached by ClinVar (database versions not stated): gnomAD exomes below 0.00001; gnomAD 0.00001; TOPMed 0.00001.
gnomAD v4.1: 3 of 1,610,668 alleles (0.00019%); highest among the groups gnomAD compares: African/African-American, 0.0013%; no homozygotes.

Submission:

Labcorp Genetics (formerly Invitae), Labcorp
Classification: Uncertain significance for Pseudo-Hurler polydystrophy; Mucolipidosis type II. Last evaluated: 2022-10-17. Review status: criteria provided, single submitter. Criteria: Invitae Variant Classification Sherloc (09022015). Collection method: clinical testing. Allele origin: germline.
Comment: This sequence change replaces tyrosine, which is neutral and polar, with cysteine, which is neutral and slightly polar, at codon 11 of the GNPTAB protein (p.Tyr11Cys). This variant is not present in population databases (gnomAD no frequency). This variant has not been reported in the literature in individuals affected with GNPTAB-related conditions. Advanced modeling of protein sequence and biophysical properties (such as structural, functional, and spatial information, amino acid conservation, physicochemical variation, residue mobility, and thermodynamic stability) has been performed at Invitae for this missense variant, however the output from this modeling did not meet the statistical confidence thresholds required to predict the impact of this variant on GNPTAB protein function. In summary, the available evidence is currently insufficient to determine the role of this variant in disease. Therefore, it has been classified as a Variant of Uncertain Significance.

NM_024312.5(GNPTAB):c.32A>G (p.Tyr11Cys)

Gene: GNPTAB (N-acetylglucosamine-1-phosphate transferase subunits alpha and beta; minus strand). Cytogenetic location: 12q23.2.
Variant type: single nucleotide variant.
Coding change: c.32A>G on transcript NM_024312.5 (MANE Select); coding-DNA position 32, A replaced by G.
Protein change: p.Tyr11Cys; replaces tyrosine 11 with cysteine.
Molecular consequence: missense variant.
Genome position (GRCh38, 1-based): chr12:101,830,644, T>C on the plus strand (A>G on the coding strand, the complement: GNPTAB is on the minus strand). VCF-style: chr12-101830644-T-C. GRCh37 (hg19) VCF-style: chr12-102224422-T-C.
Other names: short protein forms Y11C.
Identifiers: ClinVar variation 1926444 (VCV001926444.2), dbSNP rs1871323011, ClinGen allele CA386487048.